The following is an entry in ClinVar:

NM_003072.5(SMARCA4):c.862C>G (p.Pro288Ala)

Gene: SMARCA4 (SWI/SNF related BAF chromatin remodeling complex subunit ATPase 4; plus strand). Cytogenetic location: 19p13.2.
Variant type: single nucleotide variant.
Coding change: c.862C>G on transcript NM_003072.5 (MANE Select); coding-DNA position 862, C replaced by G.
Protein change: p.Pro288Ala; replaces proline 288 with alanine.
Molecular consequence: missense variant. On other transcripts: non-coding transcript variant (1).
Genome position (GRCh38, 1-based): chr19:10,987,668, C>G. VCF-style: chr19-10987668-C-G. GRCh37 (hg19) VCF-style: chr19-11098344-C-G.
Other names: c.862C>G, p.Pro288Ala (NM_001128844.3, NM_001128845.2, NM_001128846.2 and 6 more transcripts); c.862C>G (NM_001128849.1); short protein forms P288A.
Identifiers: ClinVar variation 2773039 (VCV002773039.4), dbSNP rs199573401, ClinGen allele CA9203612.

ClinVar aggregate classification (germline): Uncertain significance. Review status: criteria provided, multiple submitters, no conflicts (2 of 4 stars). 2 submissions from 2 submitters: Uncertain significance (2). Last evaluated 2025-07-08.

Conditions:
Rhabdoid tumor predisposition syndrome 2 (RTPS2). Identifiers: Orphanet 231108, Orphanet 69077, MedGen C2750074, MONDO:0013224, OMIM 613325.
Hereditary cancer-predisposing syndrome. Also called: Hereditary neoplastic syndrome; Hereditary Cancer Syndrome; Neoplastic Syndromes, Hereditary; Tumor predisposition. Identifiers: Orphanet 140162, MedGen C0027672, MeSH D009386, MONDO:0015356.

Submissions (2):

Ambry Genetics
Classification: Uncertain significance for Hereditary cancer-predisposing syndrome. Last evaluated: 2025-07-08. Review status: criteria provided, single submitter. Criteria: Ambry Variant Classification Scheme 2023. Collection method: clinical testing. Allele origin: germline.
Comment: The p.P288A variant (also known as c.862C>G), located in coding exon 5 of the SMARCA4 gene, results from a C to G substitution at nucleotide position 862. The proline at codon 288 is replaced by alanine, an amino acid with highly similar properties. This amino acid position is well conserved in available vertebrate species. In addition, the in silico prediction for this alteration is inconclusive. Based on the available evidence, the clinical significance of this variant remains unclear.

Labcorp Genetics (formerly Invitae), Labcorp
Classification: Uncertain significance for Rhabdoid tumor predisposition syndrome 2. Last evaluated: 2023-06-05. Review status: criteria provided, single submitter. Criteria: Invitae Variant Classification Sherloc (09022015). Collection method: clinical testing. Allele origin: germline.
Comment: In summary, the available evidence is currently insufficient to determine the role of this variant in disease. Therefore, it has been classified as a Variant of Uncertain Significance. An algorithm developed to predict the effect of missense changes on protein structure and function (PolyPhen-2) suggests that this variant is likely to be disruptive. This variant has not been reported in the literature in individuals affected with SMARCA4-related conditions. This variant is present in population databases (rs199573401, gnomAD 0.001%). This sequence change replaces proline, which is neutral and non-polar, with alanine, which is neutral and non-polar, at codon 288 of the SMARCA4 protein (p.Pro288Ala).